The following is an entry in ClinVar:

NM_002860.4(ALDH18A1):c.1552C>T (p.Leu518Phe)

Gene: ALDH18A1 (aldehyde dehydrogenase 18 family member A1; minus strand). Cytogenetic location: 10q24.1.
Variant type: single nucleotide variant.
Coding change: c.1552C>T on transcript NM_002860.4 (MANE Select); coding-DNA position 1552, C replaced by T.
Protein change: p.Leu518Phe; replaces leucine 518 with phenylalanine.
Molecular consequence: missense variant.
Genome position (GRCh38, 1-based): chr10:95,616,530, G>A on the plus strand (C>T on the coding strand, the complement: ALDH18A1 is on the minus strand). VCF-style: chr10-95616530-G-A. GRCh37 (hg19) VCF-style: chr10-97376287-G-A.
Other names: c.1546C>T, p.Leu516Phe (NM_001017423.2, NM_001323415.2); c.1219C>T, p.Leu407Phe (NM_001323412.2, NM_001323416.2); c.1552C>T, p.Leu518Phe (NM_001323413.2, NM_001323414.2); c.1447C>T, p.Leu483Phe (NM_001323417.2); c.1213C>T, p.Leu405Phe (NM_001323418.2); c.916C>T, p.Leu306Phe (NM_001323419.2); short protein forms L407F, L405F, L518F, L306F, L516F, L483F.
Identifiers: ClinVar variation 4783428 (VCV004783428.1).

ClinVar aggregate classification (germline): Uncertain significance (1 of 4 stars; one submission).

Conditions:
Cutis laxa, autosomal dominant 3 (ADCL3). Identifiers: Orphanet 90348, MedGen C4225268, MONDO:0014706, OMIM 616603.
Autosomal dominant spastic paraplegia type 9. Identifiers: MedGen C1832669, MONDO:0015091.
de Barsy syndrome. Also called: Cutis laxa-corneal clouding-oligophrenia syndrome. Identifiers: Orphanet 2962, MedGen C0268354, MONDO:0017569.

Submission:

Labcorp Genetics (formerly Invitae), Labcorp
Classification: Uncertain significance for Autosomal dominant spastic paraplegia type 9; de Barsy syndrome; Cutis laxa, autosomal dominant 3. Last evaluated: 2026-01-21. Review status: criteria provided, single submitter. Criteria: Invitae Variant Classification Sherloc (09022015). Collection method: clinical testing. Allele origin: germline.
Comment: This sequence change replaces leucine, which is neutral and non-polar, with phenylalanine, which is neutral and non-polar, at codon 518 of the ALDH18A1 protein (p.Leu518Phe). This variant is not present in population databases (gnomAD no frequency). This variant has not been reported in the literature in individuals affected with ALDH18A1-related conditions. Invitae Evidence Modeling of protein sequence and biophysical properties (such as structural, functional, and spatial information, amino acid conservation, physicochemical variation, residue mobility, and thermodynamic stability) indicates that this missense variant is not expected to disrupt ALDH18A1 protein function with a negative predictive value of 95%. In summary, the available evidence is currently insufficient to determine the role of this variant in disease. Therefore, it has been classified as a Variant of Uncertain Significance.